The following is an entry in ClinVar:

NM_001267550.2(TTN):c.31791T>G (p.Pro10597=)

Gene: TTN (titin; minus strand). Cytogenetic location: 2q31.2.
Variant type: single nucleotide variant.
Coding change: c.31791T>G on transcript NM_001267550.2 (MANE Select); coding-DNA position 31791, T replaced by G.
Protein change: p.Pro10597=; no amino-acid change (proline 10597 retained).
Molecular consequence: synonymous variant. On other transcripts: intron variant (3).
Genome position (GRCh38, 1-based): chr2:178,689,868, A>C on the plus strand (T>G on the coding strand, the complement: TTN is on the minus strand). VCF-style: chr2-178689868-A-C. GRCh37 (hg19) VCF-style: chr2-179554595-A-C.
Other names: c.28059T>G, p.Pro9353= (NM_133378.4); c.30840T>G, p.Pro10280= (NM_001256850.1); c.13283-47551T>G (NM_003319.4); c.13859-47551T>G (NM_133437.4); c.13658-47551T>G (NM_133432.3).
Identifiers: ClinVar variation 46856 (VCV000046856.14), dbSNP rs397517539, ClinGen allele CA139367.

ClinVar aggregate classification (germline): Likely benign. Review status: criteria provided, multiple submitters, no conflicts (2 of 4 stars). 2 submissions from 2 submitters: Likely benign (2). Last evaluated 2025-06-01.

Conditions:
Dilated cardiomyopathy 1G (CMD1G). Identifiers: Orphanet 154, MedGen C1858763, MONDO:0011400, OMIM 604145.
Autosomal recessive limb-girdle muscular dystrophy type 2J (LGMDR10). Also called: Limb-girdle muscular dystrophy, type 2J; MUSCULAR DYSTROPHY, LIMB-GIRDLE, AUTOSOMAL RECESSIVE 10. Identifiers: Orphanet 140922, MedGen C1837342, MONDO:0012127, OMIM 608807.

Allele frequency attached by ClinVar (database versions not stated): gnomAD exomes below 0.00001; gnomAD 0.00001; TOPMed 0.00001.
gnomAD v4.1: 2 of 1,613,340 alleles (0.00012%); highest among the groups gnomAD compares: African/African-American, 0.0027%; no homozygotes.

Submissions (2):

Labcorp Genetics (formerly Invitae), Labcorp
Classification: Likely benign for Dilated cardiomyopathy 1G; Autosomal recessive limb-girdle muscular dystrophy type 2J. Last evaluated: 2025-06-01. Review status: criteria provided, single submitter. Criteria: Invitae Variant Classification Sherloc (09022015). Collection method: clinical testing. Allele origin: germline.

Laboratory for Molecular Medicine, Mass General Brigham Personalized Medicine
Classification: Likely benign. Last evaluated: 2012-01-09. Review status: criteria provided, single submitter. Criteria: LMM Criteria. Collection method: clinical testing. Allele origin: germline. Observed: 1 variant allele.
Comment: Pro9353Pro in exon 119 of TTN: This variant is not expected to have clinical sig nificance because it does not alter an amino acid residue and is not located wit hin the splice consensus sequence. Pro9353Pro in exon 119 of TTN (allele freque ncy = n/a)